The following is an entry in ClinVar:

NM_002485.5(NBN):c.1057A>C (p.Met353Leu)

Gene: NBN (nibrin; minus strand). Cytogenetic location: 8q21.3.
Variant type: single nucleotide variant.
Coding change: c.1057A>C on transcript NM_002485.5 (MANE Select); coding-DNA position 1057, A replaced by C.
Protein change: p.Met353Leu; replaces methionine 353 with leucine.
Molecular consequence: missense variant.
Genome position (GRCh38, 1-based): chr8:89,958,792, T>G on the plus strand (A>C on the coding strand, the complement: NBN is on the minus strand). VCF-style: chr8-89958792-T-G. GRCh37 (hg19) VCF-style: chr8-90971020-T-G.
Other names: c.811A>C, p.Met271Leu (NM_001024688.3); short protein forms M353L, M271L.
Identifiers: ClinVar variation 220356 (VCV000220356.7), dbSNP rs864622489, ClinGen allele CA350623.

ClinVar aggregate classification (germline): Uncertain significance (1 of 4 stars; one submission).

Conditions:
Microcephaly, normal intelligence and immunodeficiency (NBS). Also called: Immunodeficiency, microcephaly with normal intelligence; BERLIN BREAKAGE SYNDROME; IMMUNODEFICIENCY, MICROCEPHALY, AND CHROMOSOMAL INSTABILITY; SEEMANOVA SYNDROME II; Ataxia telangiectasia variant V1; Nijmegen breakage syndrome. Identifiers: Orphanet 647, MedGen C0398791, MONDO:0009623, OMIM 251260.

Submission:

Labcorp Genetics (formerly Invitae), Labcorp
Classification: Uncertain significance for Microcephaly, normal intelligence and immunodeficiency. Last evaluated: 2023-04-23. Review status: criteria provided, single submitter. Criteria: Invitae Variant Classification Sherloc (09022015). Collection method: clinical testing. Allele origin: germline.
Comment: This variant has not been reported in the literature in individuals affected with NBN-related conditions. ClinVar contains an entry for this variant (Variation ID: 220356). An algorithm developed to predict the effect of missense changes on protein structure and function (PolyPhen-2) suggests that this variant is likely to be tolerated. In summary, the available evidence is currently insufficient to determine the role of this variant in disease. Therefore, it has been classified as a Variant of Uncertain Significance. This variant is not present in population databases (gnomAD no frequency). This sequence change replaces methionine, which is neutral and non-polar, with leucine, which is neutral and non-polar, at codon 353 of the NBN protein (p.Met353Leu).